The following is an entry in ClinVar:

NM_001164277.2(SLC37A4):c.82C>T (p.Arg28Cys)

Gene: SLC37A4 (solute carrier family 37 member 4; minus strand). Cytogenetic location: 11q23.3.
Variant type: single nucleotide variant.
Coding change: c.82C>T on transcript NM_001164277.2 (MANE Select); coding-DNA position 82, C replaced by T.
Protein change: p.Arg28Cys; replaces arginine 28 with cysteine.
Molecular consequence: missense variant. On other transcripts: intron variant (1).
Genome position (GRCh38, 1-based): chr11:119,029,288, G>A on the plus strand (C>T on the coding strand, the complement: SLC37A4 is on the minus strand). VCF-style: chr11-119029288-G-A. GRCh37 (hg19) VCF-style: chr11-118899998-G-A.
Other names: c.82C>T, p.Arg28Cys (NM_001164278.2, NM_001164280.2, NM_001467.6); c.-172+104C>T (NM_001164279.2); short protein forms R28C.
Identifiers: ClinVar variation 68291 (VCV000068291.16), dbSNP rs193302882, ClinGen allele CA219352.

ClinVar aggregate classification (germline): Pathogenic. Review status: criteria provided, multiple submitters, no conflicts (2 of 4 stars). 7 submissions from 7 submitters: Pathogenic (6). 1 of the submissions does not count toward it. Last evaluated 2025-12-12.

Conditions:
Phosphate transport defect (GSD1C). Also called: GLYCOGEN STORAGE DISEASE Ic; GSD Ic. Identifiers: Orphanet 364, Orphanet 79259, MedGen C0342749, OMIM 232240.
Glucose-6-phosphate transport defect (GSD1B). Also called: Glycogen Storage Disease Type Ib; GSD Ib. Identifiers: Orphanet 364, Orphanet 79259, MedGen C0268146, MONDO:0009288, OMIM 232220.
Congenital disorder of glycosylation, type IIw. Identifiers: MedGen C5561986, MONDO:0030437, OMIM 619525.

Allele frequency attached by ClinVar (database versions not stated): gnomAD 0.00001; TOPMed 0.00001; gnomAD exomes below 0.00001; ExAC 0.00001.

Submissions (7):

Natera, Inc.
Classification: Pathogenic for Glycogen storage disease type Ib. Last evaluated: 2025-12-12. Review status: criteria provided, single submitter. Criteria: Natera Variant Classification Schema (03/2026). Collection method: clinical testing. Allele origin: germline.
Comment: The c.82C>T variant in SLC37A4 is a missense variant predicted to cause substitution of arginine to cysteine at amino acid 28. This variant is rare in the general population with a frequency below the threshold expected for the associated phenotype(s). This variant has been observed in one or more individuals affected with the associated recessive disease, as either homozygous or compound heterozygous with a second variant (PMID: 38605407, 23046672, 10482962, 10518030, 9758626). Computational prediction algorithms indicate this variant is likely to affect gene or protein function. Given the available evidence, this variant is classified as Pathogenic.

Labcorp Genetics (formerly Invitae), Labcorp
Classification: Pathogenic for Glucose-6-phosphate transport defect. Last evaluated: 2025-11-24. Review status: criteria provided, single submitter. Criteria: Invitae Variant Classification Sherloc (09022015). Collection method: clinical testing. Allele origin: germline.
Comment: This sequence change replaces arginine, which is basic and polar, with cysteine, which is neutral and slightly polar, at codon 28 of the SLC37A4 protein (p.Arg28Cys). The frequency data for this variant in the population databases is considered unreliable, as metrics indicate poor data quality at this position in the gnomAD database. This missense change has been observed in individual(s) with autosomal recessive glycogen storage disease (PMID: 9758626, 10482962, 10518030, 10940311, 11949931, 24565827). In at least one individual the data is consistent with being in trans (on the opposite chromosome) from a pathogenic variant. ClinVar contains an entry for this variant (Variation ID: 68291). Invitae Evidence Modeling of protein sequence and biophysical properties (such as structural, functional, and spatial information, amino acid conservation, physicochemical variation, residue mobility, and thermodynamic stability) indicates that this missense variant is expected to disrupt SLC37A4 protein function with a positive predictive value of 80%. Experimental studies have shown that this missense change affects SLC37A4 function (PMID: 12444104). For these reasons, this variant has been classified as Pathogenic.

GeneDx
Classification: Pathogenic. Last evaluated: 2025-08-09. Review status: criteria provided, single submitter. Criteria: GeneDx Variant Classification Process June 2021. Collection method: clinical testing. Allele origin: germline.
Comment: Published functional studies found this variant is associated with absent microsomal G6P uptake activity (PMID: 10940311, 12444104); In silico analysis supports that this missense variant has a deleterious effect on protein structure/function; Not observed at significant frequency in large population cohorts (gnomAD); This variant is associated with the following publications: (PMID: 10940311, 12444104, 10482962, 24565827, 38605407, 9758626, 39519275, 10518030, 11949931, 19008136)

3billion
Classification: Pathogenic for Glucose-6-phosphate transport defect. Last evaluated: 2023-07-27. Review status: criteria provided, single submitter. Criteria: ACMG Guidelines, 2015. Collection method: clinical testing. Allele origin: germline. Affected: yes.
Comment: The variant is observed at an extremely low frequency in the gnomAD v2.1.1 dataset (total allele frequency: 0.001%). Predicted Consequence/Location: Protein truncation variants are a common disease-causing mechanism. Functional studies provide strong evidence of the variant having a damaging effect on the gene or gene product (PMID: 12444104). Same nucleotide change resulting in same amino acid change has been previously reported as pathogenic/likely pathogenic with strong evidence (ClinVar ID: VCV000068291 /PMID: 9758626). A different missense change at the same codon (p.Arg28His) has been reported as pathogenic/likely pathogenic with strong evidence (ClinVar ID: VCV000006933 /PMID: 10026167). Therefore, this variant is classified as Pathogenic according to the recommendation of ACMG/AMP guideline.

Baylor Genetics
Classification: Pathogenic for Glucose-6-phosphate transport defect. Last evaluated: 2023-07-14. Review status: criteria provided, single submitter. Criteria: ACMG Guidelines, 2015. Collection method: clinical testing. Allele origin: unknown.

Fulgent Genetics
Classification: Pathogenic for Glucose-6-phosphate transport defect; Phosphate transport defect; Congenital disorder of glycosylation, type IIw. Last evaluated: 2022-02-25. Review status: criteria provided, single submitter. Criteria: ACMG Guidelines, 2015. Collection method: clinical testing. Allele origin: unknown.

UniProtKB/Swiss-Prot
No classification provided. Review status: no classification provided. Collection method: not provided. Allele origin: not provided. Not counted in ClinVar's aggregate classification.

Literature cited by the submitters: PubMed 38605407 (cited by Natera, Inc.); PubMed 23046672 (cited by Natera, Inc.); PubMed 10482962 (cited by Natera, Inc. and Labcorp Genetics (formerly Invitae), Labcorp); PubMed 10518030 (cited by Natera, Inc. and Labcorp Genetics (formerly Invitae), Labcorp); PubMed 9758626 (cited by 3 submitters); PubMed 10940311 (cited by Labcorp Genetics (formerly Invitae), Labcorp); PubMed 11949931 (cited by Labcorp Genetics (formerly Invitae), Labcorp); PubMed 24565827 (cited by Labcorp Genetics (formerly Invitae), Labcorp); PubMed 12444104 (cited by Labcorp Genetics (formerly Invitae), Labcorp and 3billion); PubMed 10026167 (cited by 3billion).